The following is an entry in ClinVar:

ClinVar aggregate classification (germline): Uncertain significance. Review status: criteria provided, multiple submitters, no conflicts (2 of 4 stars). 2 submissions from 2 submitters: Uncertain significance (2). Last evaluated 2021-10-11.

Conditions:
3-methylcrotonyl-CoA carboxylase 1 deficiency (MCC1D). Also called: MCCD TYPE 1; MCC 1 deficiency; 3 Alpha methylcrotonylglycinuria 1; METHYLCROTONYLGLYCINURIA TYPE I. Identifiers: Orphanet 6, MedGen CN028786, MONDO:0008861, OMIM 210200.

Allele frequency attached by ClinVar (database versions not stated): gnomAD exomes below 0.00001 and 0.00001; ExAC 0.00001; TOPMed 0.00001.
gnomAD v4.1: 2 of 1,614,144 alleles (0.00012%); highest among the groups gnomAD compares: Admixed American, 0.0033%; no homozygotes.

Submissions (2):

Labcorp Genetics (formerly Invitae), Labcorp
Classification: Uncertain significance for 3-methylcrotonyl-CoA carboxylase 1 deficiency. Last evaluated: 2021-10-11. Review status: criteria provided, single submitter. Criteria: Invitae Variant Classification Sherloc (09022015). Collection method: clinical testing. Allele origin: germline.
Comment: This sequence change replaces alanine with valine at codon 101 of the MCCC1 protein (p.Ala101Val). The alanine residue is moderately conserved and there is a small physicochemical difference between alanine and valine. This variant is present in population databases (rs772547872, ExAC 0.009%). This variant has not been reported in the literature in individuals affected with MCCC1-related conditions. Algorithms developed to predict the effect of missense changes on protein structure and function are either unavailable or do not agree on the potential impact of this missense change (SIFT: "Tolerated"; PolyPhen-2: "Probably Damaging"; Align-GVGD: "Class C0"). In summary, the available evidence is currently insufficient to determine the role of this variant in disease. Therefore, it has been classified as a Variant of Uncertain Significance.

Revvity Omics, Revvity
Classification: Uncertain significance for 3-methylcrotonyl-CoA carboxylase 1 deficiency. Last evaluated: 2021-03-03. Review status: criteria provided, single submitter. Criteria: ACMG Guidelines, 2015. Collection method: clinical testing. Allele origin: germline.

NM_020166.5(MCCC1):c.302C>T (p.Ala101Val)

Gene: MCCC1 (methylcrotonyl-CoA carboxylase subunit 1; minus strand). Cytogenetic location: 3q27.1.
Variant type: single nucleotide variant.
Coding change: c.302C>T on transcript NM_020166.5 (MANE Select); coding-DNA position 302, C replaced by T.
Protein change: p.Ala101Val; replaces alanine 101 with valine.
Molecular consequence: missense variant. On other transcripts: 5 prime UTR variant (1), non-coding transcript variant (1).
Genome position (GRCh38, 1-based): chr3:183,086,760, G>A on the plus strand (C>T on the coding strand, the complement: MCCC1 is on the minus strand). VCF-style: chr3-183086760-G-A. GRCh37 (hg19) VCF-style: chr3-182804548-G-A.
Other names: c.73C>T, p.Leu25Phe (NM_001293273.2); c.-26C>T (NM_001363880.1); short protein forms A101V, L25F.
Identifiers: ClinVar variation 1447665 (VCV001447665.5), dbSNP rs772547872, ClinGen allele CA2719112.